The following is an entry in ClinVar:

NM_152573.4(RASEF):c.1506C>A (p.Pro502=)

Gene: RASEF (RAS and EF-hand domain containing; minus strand). Cytogenetic location: 9q21.32.
Variant type: single nucleotide variant.
Coding change: c.1506C>A on transcript NM_152573.4 (MANE Select); coding-DNA position 1506, C replaced by A.
Protein change: p.Pro502=; no amino-acid change (proline 502 retained).
Molecular consequence: synonymous variant.
Genome position (GRCh38, 1-based): chr9:83,000,502, G>T on the plus strand (C>A on the coding strand, the complement: RASEF is on the minus strand). VCF-style: chr9-83000502-G-T. GRCh37 (hg19) VCF-style: chr9-85615417-G-T.
Identifiers: ClinVar variation 3234346 (VCV003234346.20), dbSNP rs1829012479, ClinGen allele CA465667063.

ClinVar aggregate classification (germline): Likely benign (1 of 4 stars; one submission).

Submission:

CeGaT Center for Human Genetics Tuebingen
Classification: Likely benign. Last evaluated: 2024-03-01. Review status: criteria provided, single submitter. Criteria: CeGaT Center For Human Genetics Tuebingen Variant Classification Criteria Version 2. Collection method: clinical testing. Allele origin: germline. Affected: yes. Observed: 1 variant allele.
Comment: RASEF: PM2:Supporting, BP4, BP7